The following is an entry in ClinVar:

ClinVar aggregate classification (germline): Pathogenic. Review status: criteria provided, multiple submitters, no conflicts (2 of 4 stars). 2 submissions from 2 submitters: Pathogenic (2). Last evaluated 2025-05-28.

Conditions:
Cohen syndrome (COH1). Also called: PEPPER SYNDROME; Cutis verticis gyrata, retinitis pigmentosa, and sensorineural deafness. Identifiers: Orphanet 193, MedGen C0265223, MONDO:0008999, OMIM 216550.

Submissions (2):

Myriad Genetics, Inc.
Classification: Pathogenic for Cohen syndrome. Last evaluated: 2025-05-28. Review status: criteria provided, single submitter. Criteria: Myriad Autosomal Dominant, Autosomal Recessive and X-Linked Classification Criteria (2023). Collection method: clinical testing. Allele origin: unknown.
Comment: NM_017890.4(VPS13B):c.95delG(G32Vfs*11) is a frameshift variant classified as pathogenic in the context of Cohen syndrome. G32Vfs*11 has not been observed in cases with relevant disease. Relevant functional assessments of this variant are not available in the literature. G32Vfs*11 has not been observed in referenced population frequency databases. In summary, NM_017890.4(VPS13B):c.95delG(G32Vfs*11) is a frameshift variant in a gene where loss of function is a known mechanism of disease and is predicted to disrupt protein function. Please note: this variant was assessed in the context of healthy population screening.

Labcorp Genetics (formerly Invitae), Labcorp
Classification: Pathogenic for Cohen syndrome. Last evaluated: 2024-09-19. Review status: criteria provided, single submitter. Criteria: Invitae Variant Classification Sherloc (09022015). Collection method: clinical testing. Allele origin: germline.
Comment: This sequence change creates a premature translational stop signal (p.Gly32Valfs*11) in the VPS13B gene. It is expected to result in an absent or disrupted protein product. Loss-of-function variants in VPS13B are known to be pathogenic (PMID: 15141358, 16648375, 20461111). This variant is not present in population databases (gnomAD no frequency). This variant has not been reported in the literature in individuals affected with VPS13B-related conditions. For these reasons, this variant has been classified as Pathogenic.

Literature cited by the submitters: PubMed 15141358 (cited by Labcorp Genetics (formerly Invitae), Labcorp); PubMed 16648375 (cited by Labcorp Genetics (formerly Invitae), Labcorp); PubMed 20461111 (cited by Labcorp Genetics (formerly Invitae), Labcorp).

NM_152564.5(VPS13B):c.95del (p.Gly32fs)

Gene: VPS13B (vacuolar protein sorting 13 homolog B; plus strand). Cytogenetic location: 8q22.2.
Variant type: Deletion.
Coding change: c.95del on transcript NM_152564.5 (MANE Select); coding-DNA position 95, one base deleted (G; older notation c.95delG).
Protein change: p.Gly32fs; shifts the reading frame from glycine 32.
Molecular consequence: frameshift variant. On other transcripts: non-coding transcript variant (1).
Genome position (GRCh38, 1-based): chr8:99,013,883, G deleted; the last of 4 consecutive G bases (chr8:99,013,880-99,013,883); deleting any one gives the same sequence. VCF-style (leftmost placement, unchanged base first): chr8-99013879-TG-T. GRCh37 (hg19) VCF-style: chr8-100026107-TG-T.
Other names: c.95del, p.Gly32fs (NM_015243.3, NM_017890.5, NM_181661.3); short protein forms G32fs.
Identifiers: ClinVar variation 2831481 (VCV002831481.4), dbSNP rs2488084191, ClinGen allele CA2688057324.